The following is an entry in ClinVar:

ClinVar aggregate classification (germline): Uncertain significance (1 of 4 stars; one submission).

Conditions:
Fabry disease. Also called: ALPHA-GALACTOSIDASE A DEFICIENCY; ANDERSON-FABRY DISEASE; CERAMIDE TRIHEXOSIDASE DEFICIENCY; GLA DEFICIENCY; HEREDITARY DYSTOPIC LIPIDOSIS; Angiokeratoma corporis diffusum. Identifiers: Orphanet 324, MedGen C0002986, MONDO:0010526, OMIM 301500, HP:0001071. Disease mechanism: Fabry disease is due to inactivating mutations in the X-linked GLA gene resulting in deficiency of the enzyme Alpha Galactosidase-A., loss of function.

Submission:

Genomenon, Inc
Classification: Uncertain significance for Fabry disease. Last evaluated: 2026-09-08. Review status: criteria provided, single submitter. Criteria: Genomenon Sequence Variant Interpretation Standards - Updated. Collection method: curation. Allele origin: germline. Affected: no.
Comment: GLA p.Gly104Val (c.311G>T) is a missense variant that changes the amino acid at codon 104 from Glycine to Valine. This variant has been reported in the published literature (PMID:28615118;20031620;24513544;27657681). It is absent or not present at a significant frequency in gnomAD. In silico models predict that this variant is possibly or probably damaging. In conclusion, we classify GLA p.Gly104Val (c.311G>T) as a variant of uncertain significance.

Literature cited by the submitters: PubMed 28615118; PubMed 20031620; PubMed 24513544; PubMed 27657681.

NM_000169.3(GLA):c.311G>T (p.Gly104Val)

Genes: GLA (galactosidase alpha; minus strand), RPL36A-HNRNPH2 (RPL36A-HNRNPH2 readthrough; plus strand). Cytogenetic location: Xq22.1.
Variant type: single nucleotide variant.
Coding change: c.311G>T on transcript NM_000169.3 (MANE Select); coding-DNA position 311, G replaced by T.
Protein change: p.Gly104Val; replaces glycine 104 with valine.
Molecular consequence: missense variant. On other transcripts: non-coding transcript variant (3), intron variant (2).
Genome position (GRCh38, 1-based): chrX:101,403,869, C>A on the plus strand (G>T on the coding strand, the complement: GLA is on the minus strand). VCF-style: chrX-101403869-C-A. GRCh37 (hg19) VCF-style: chrX-100658857-C-A.
Other names: c.434G>T, p.Gly145Val (NM_001406747.1, NM_001406749.1); c.311G>T, p.Gly104Val (NM_001406748.1); c.301-8067C>A (NM_001199973.2); c.178-8067C>A (NM_001199974.2); short protein forms G104V, G145V.
Identifiers: ClinVar variation 4087338 (VCV004087338.2).